The following is an entry in ClinVar:

NM_000414.4(HSD17B4):c.427_434dup (p.Arg145fs)

Gene: HSD17B4 (hydroxysteroid 17-beta dehydrogenase 4; plus strand). Cytogenetic location: 5q23.1.
Variant type: Duplication.
Coding change: c.427_434dup on transcript NM_000414.4 (MANE Select); coding-DNA positions 427 to 434, 8 bases duplicated (TATGGAAG; older notation c.427_434dupTATGGAAG).
Protein change: p.Arg145fs; shifts the reading frame from arginine 145.
Molecular consequence: frameshift variant. On other transcripts: 5 prime UTR variant (1), non-coding transcript variant (2), splice donor variant (2).
Genome position (GRCh38, 1-based): chr5:119,477,494-119,477,501, TATGGAAG duplicated; duplicating any 8 consecutive bases within chr5:119,477,490-119,477,501 gives the same sequence; the c. name uses the placement nearest the transcript's 3' end. VCF-style (leftmost placement, unchanged base first): chr5-119477489-A-AGAAGTATG. GRCh37 (hg19) VCF-style: chr5-118813184-A-AGAAGTATG.
Other names: c.-112_-105dup (NM_001374500.1); c.16_23dup, p.Arg8fs (NM_001374501.1, NM_001374502.1, NM_001374503.1); c.14+2_14+9dup (NM_001292028.2); c.425+2_425+9dup (NM_001374497.1); c.502_509dup, p.Arg170fs (NM_001199291.3); c.373_380dup, p.Arg127fs (NM_001199292.2); c.355_362dup, p.Arg121fs (NM_001292027.2); c.427_434dup, p.Arg145fs (NM_001374498.1); and 1 more; short protein forms R121fs, R127fs, R145fs, R170fs, R36fs, R8fs.
Identifiers: ClinVar variation 4818353 (VCV004818353.1).

ClinVar aggregate classification (germline): Likely pathogenic (1 of 4 stars; one submission).

Conditions:
Bifunctional peroxisomal enzyme deficiency (DBIF). Also called: DBP DEFICIENCY; PBFE DEFICIENCY; D-bifunctional protein deficiency. Identifiers: Orphanet 300, MedGen C0342870, MONDO:0009855, OMIM 261515. Disease mechanism: loss of function.

Submission:

Natera, Inc.
Classification: Likely pathogenic for Bifunctional peroxisomal enzyme deficiency. Last evaluated: 2025-07-18. Review status: criteria provided, single submitter. Criteria: Natera Variant Classification Schema (03/2026). Collection method: clinical testing. Allele origin: germline.
Comment: The c.427_434dup variant in HSD17B4 is a frameshift variant predicted to shift the reading frame beginning at codon 145 and leads to a stop codon 7 codons downstream. This variant is expected to result in nonsense mediated decay, truncation, or a dysfunctional protein product. This variant is rare in the general population with a frequency below the threshold expected for the associated phenotype(s). Given the available evidence, this variant is classified as Likely Pathogenic.